The following is an entry in ClinVar:

ClinVar aggregate classification (germline): Uncertain significance. Review status: criteria provided, multiple submitters, no conflicts (2 of 4 stars). 2 submissions from 2 submitters: Uncertain significance (2). Last evaluated 2025-09-01.

Conditions:
Hereditary cancer-predisposing syndrome. Also called: Hereditary neoplastic syndrome; Neoplastic Syndromes, Hereditary; Hereditary Cancer Syndrome; Tumor predisposition. Identifiers: Orphanet 140162, MedGen C0027672, MeSH D009386, MONDO:0015356.
Cardiovascular phenotype. Identifiers: MedGen CN230736.

gnomAD v4.1: 1 of 1,613,386 alleles (0.000062%); highest among the groups gnomAD compares: Non-Finnish European, 0.000085%; no homozygotes.

Submissions (2):

Ambry Genetics
Classification: Uncertain significance for Cardiovascular phenotype; Hereditary cancer-predisposing syndrome. Last evaluated: 2025-09-01. Review status: criteria provided, single submitter. Criteria: Ambry Variant Classification Scheme 2023. Collection method: clinical testing. Allele origin: germline.
Comment: The p.F601C variant (also known as c.1802T>G), located in coding exon 16 of the LZTR1 gene, results from a T to G substitution at nucleotide position 1802. The phenylalanine at codon 601 is replaced by cysteine, an amino acid with highly dissimilar properties. This amino acid position is conserved. In addition, this alteration is predicted to be deleterious by in silico analysis. Based on the available evidence, the clinical significance of this variant remains unclear.

Labcorp Genetics (formerly Invitae), Labcorp
Classification: Uncertain significance. Last evaluated: 2025-08-06. Review status: criteria provided, single submitter. Criteria: Invitae Variant Classification Sherloc (09022015). Collection method: clinical testing. Allele origin: germline.
Comment: This sequence change replaces phenylalanine, which is neutral and non-polar, with cysteine, which is neutral and slightly polar, at codon 601 of the LZTR1 protein (p.Phe601Cys). This variant is not present in population databases (gnomAD no frequency). This variant has not been reported in the literature in individuals affected with LZTR1-related conditions. ClinVar contains an entry for this variant (Variation ID: 3709983). Invitae Evidence Modeling of protein sequence and biophysical properties (such as structural, functional, and spatial information, amino acid conservation, physicochemical variation, residue mobility, and thermodynamic stability) indicates that this missense variant is not expected to disrupt LZTR1 protein function with a negative predictive value of 80%. In summary, the available evidence is currently insufficient to determine the role of this variant in disease. Therefore, it has been classified as a Variant of Uncertain Significance.

NM_006767.4(LZTR1):c.1802T>G (p.Phe601Cys)

Gene: LZTR1 (leucine zipper like post translational regulator 1; plus strand). Cytogenetic location: 22q11.21.
Variant type: single nucleotide variant.
Coding change: c.1802T>G on transcript NM_006767.4 (MANE Select); coding-DNA position 1802, T replaced by G.
Protein change: p.Phe601Cys; replaces phenylalanine 601 with cysteine.
Molecular consequence: missense variant.
Genome position (GRCh38, 1-based): chr22:20,994,886, T>G. VCF-style: chr22-20994886-T-G. GRCh37 (hg19) VCF-style: chr22-21349175-T-G.
Other names: c.1802T>G (NM_006767.3); short protein forms F601C.
Identifiers: ClinVar variation 3709983 (VCV003709983.3).